The following is an entry in ClinVar:

ClinVar aggregate classification (germline): Uncertain significance (1 of 4 stars; one submission).

gnomAD v4.1: 1 of 1,294,652 alleles (0.000077%); highest among the groups gnomAD compares: Non-Finnish European, 0.000099%; no homozygotes.

Submission:

Ambry Genetics
Classification: Uncertain significance. Last evaluated: 2024-12-14. Review status: criteria provided, single submitter. Criteria: Ambry Variant Classification Scheme 2023. Collection method: clinical testing. Allele origin: germline.
Comment: The p.R73H variant (also known as c.218G>A), located in coding exon 1 of the WNK2 gene, results from a G to A substitution at nucleotide position 218. The arginine at codon 73 is replaced by histidine, an amino acid with highly similar properties. This amino acid position is conserved. In addition, this alteration is predicted to be tolerated by in silico analysis. Based on the available evidence, the clinical significance of this variant remains unclear.

NM_006648.4(WNK2):c.218G>A (p.Arg73His)

Gene: WNK2 (WNK lysine deficient protein kinase 2; plus strand). Cytogenetic location: 9q22.31.
Variant type: single nucleotide variant.
Coding change: c.218G>A on transcript NM_006648.4 (MANE Select); coding-DNA position 218, G replaced by A.
Protein change: p.Arg73His; replaces arginine 73 with histidine.
Molecular consequence: missense variant.
Genome position (GRCh38, 1-based): chr9:93,185,147, G>A. VCF-style: chr9-93185147-G-A. GRCh37 (hg19) VCF-style: chr9-95947429-G-A.
Other names: c.218G>A, p.Arg73His (NM_001282394.3); short protein forms R73H.
Identifiers: ClinVar variation 3816477 (VCV003816477.1).